The following is an entry in ClinVar:

ClinVar aggregate classification (germline): Uncertain significance. Review status: criteria provided, multiple submitters, no conflicts (2 of 4 stars). 3 submissions from 3 submitters: Uncertain significance (3). Last evaluated 2025-08-26.

Conditions:
Spinocerebellar ataxia type 15/16 (SCA15). Also called: Spinocerebellar Ataxia Type 15. Identifiers: Orphanet 98769, MedGen C1847725, MONDO:0011694, OMIM 606658.
Inborn genetic diseases. Identifiers: MedGen C0950123, MeSH D030342.

Allele frequency attached by ClinVar (database versions not stated): TOPMed below 0.00001; gnomAD 0.00001; gnomAD exomes 0.00001.
gnomAD v4.1: 19 of 1,613,370 alleles (0.0012%); highest among the groups gnomAD compares: Admixed American, 0.0033%; no homozygotes.

Submissions (3):

Ambry Genetics
Classification: Uncertain significance for Inborn genetic diseases. Last evaluated: 2025-08-26. Review status: criteria provided, single submitter. Criteria: Ambry Variant Classification Scheme 2023. Collection method: clinical testing. Allele origin: germline.

Labcorp Genetics (formerly Invitae), Labcorp
Classification: Uncertain significance. Last evaluated: 2023-05-20. Review status: criteria provided, single submitter. Criteria: Invitae Variant Classification Sherloc (09022015). Collection method: clinical testing. Allele origin: germline.
Comment: This variant is not present in population databases (gnomAD no frequency). This variant has not been reported in the literature in individuals affected with ITPR1-related conditions. ClinVar contains an entry for this variant (Variation ID: 1028567). Advanced modeling of protein sequence and biophysical properties (such as structural, functional, and spatial information, amino acid conservation, physicochemical variation, residue mobility, and thermodynamic stability) performed at Invitae indicates that this missense variant is not expected to disrupt ITPR1 protein function. In summary, the available evidence is currently insufficient to determine the role of this variant in disease. Therefore, it has been classified as a Variant of Uncertain Significance. This sequence change replaces arginine, which is basic and polar, with glutamine, which is neutral and polar, at codon 985 of the ITPR1 protein (p.Arg985Gln).

Baylor Genetics
Classification: Uncertain significance for Spinocerebellar ataxia type 15/16. Last evaluated: 2019-12-09. Review status: criteria provided, single submitter. Criteria: ACMG Guidelines, 2015. Collection method: clinical testing. Allele origin: unknown. Affected: yes.
Comment: This variant was determined to be of uncertain significance according to ACMG Guidelines, 2015 [PMID:25741868].

NM_001378452.1(ITPR1):c.3026G>A (p.Arg1009Gln)

Gene: ITPR1 (inositol 1,4,5-trisphosphate receptor type 1; plus strand). Cytogenetic location: 3p26.1.
Variant type: single nucleotide variant.
Coding change: c.3026G>A on transcript NM_001378452.1 (MANE Select); coding-DNA position 3026, G replaced by A.
Protein change: p.Arg1009Gln; replaces arginine 1009 with glutamine.
Molecular consequence: missense variant.
Genome position (GRCh38, 1-based): chr3:4,680,611, G>A. VCF-style: chr3-4680611-G-A. GRCh37 (hg19) VCF-style: chr3-4722295-G-A.
Other names: c.2999G>A, p.Arg1000Gln (NM_001099952.4); c.2981G>A, p.Arg994Gln (NM_001168272.2); c.2954G>A, p.Arg985Gln (NM_002222.7); c.2954G>A (NM_002222.5); short protein forms R1000Q, R1009Q, R994Q, R985Q.
Identifiers: ClinVar variation 1028567 (VCV001028567.5), dbSNP rs1574832115, ClinGen allele CA351650158.